The following is an entry in ClinVar:

NM_006063.3(KLHL41):c.1268T>C (p.Val423Ala)

Gene: KLHL41 (kelch like family member 41; plus strand). Cytogenetic location: 2q31.1.
Variant type: single nucleotide variant.
Coding change: c.1268T>C on transcript NM_006063.3 (MANE Select); coding-DNA position 1268, T replaced by C.
Protein change: p.Val423Ala; replaces valine 423 with alanine.
Molecular consequence: missense variant.
Genome position (GRCh38, 1-based): chr2:169,514,731, T>C. VCF-style: chr2-169514731-T-C. GRCh37 (hg19) VCF-style: chr2-170371241-T-C.
Other names: short protein forms V423A.
Identifiers: ClinVar variation 952537 (VCV000952537.9), dbSNP rs1225657950, ClinGen allele CA349178649.

ClinVar aggregate classification (germline): Uncertain significance (1 of 4 stars; one submission).

Conditions:
Nemaline myopathy 9 (NEM9). Identifiers: MedGen C3810384, MONDO:0014326, OMIM 615731.

Allele frequency attached by ClinVar (database versions not stated): gnomAD exomes below 0.00001.

Submission:

Labcorp Genetics (formerly Invitae), Labcorp
Classification: Uncertain significance for Nemaline myopathy 9. Last evaluated: 2024-04-25. Review status: criteria provided, single submitter. Criteria: Invitae Variant Classification Sherloc (09022015). Collection method: clinical testing. Allele origin: germline.
Comment: This sequence change replaces valine, which is neutral and non-polar, with alanine, which is neutral and non-polar, at codon 423 of the KLHL41 protein (p.Val423Ala). This variant is present in population databases (no rsID available, gnomAD no frequency). This variant has not been reported in the literature in individuals affected with KLHL41-related conditions. ClinVar contains an entry for this variant (Variation ID: 952537). Algorithms developed to predict the effect of missense changes on protein structure and function output the following: SIFT: "Not Available"; PolyPhen-2: "Benign"; Align-GVGD: "Not Available". The alanine amino acid residue is found in multiple mammalian species, which suggests that this missense change does not adversely affect protein function. In summary, the available evidence is currently insufficient to determine the role of this variant in disease. Therefore, it has been classified as a Variant of Uncertain Significance.